The following is an entry in ClinVar:

NC_000016.10:g.18763T>C

Variant type: single nucleotide variant.
Genome position: GRCh38 VCF-style: chr16-18763-T-C. GRCh37 (hg19) VCF-style: chr16-68763-T-C.
Identifiers: ClinVar variation 2645764 (VCV002645764.23), dbSNP rs201425195, ClinGen allele CA276396865.

ClinVar aggregate classification (germline): Likely benign (1 of 4 stars; one submission).

Submission:

CeGaT Center for Human Genetics Tuebingen
Classification: Likely benign. Last evaluated: 2026-08-01. Review status: criteria provided, single submitter. Criteria: CeGaT Center For Human Genetics Tuebingen Variant Classification Criteria Version 2. Collection method: clinical testing. Allele origin: germline. Affected: yes. Observed: 6 variant alleles.
Comment: WASH4P: BP4, BP7